The following is an entry in ClinVar:

NM_000263.4(NAGLU):c.1212G>C (p.Trp404Cys)

Gene: NAGLU (N-acetyl-alpha-glucosaminidase; plus strand). Cytogenetic location: 17q21.2.
Variant type: single nucleotide variant.
Coding change: c.1212G>C on transcript NM_000263.4 (MANE Select); coding-DNA position 1212, G replaced by C.
Protein change: p.Trp404Cys; replaces tryptophan 404 with cysteine.
Molecular consequence: missense variant.
Genome position (GRCh38, 1-based): chr17:42,543,218, G>C. VCF-style: chr17-42543218-G-C. GRCh37 (hg19) VCF-style: chr17-40695236-G-C.
Other names: short protein forms W404C.
Identifiers: ClinVar variation 1198913 (VCV001198913.15), dbSNP rs777670507, ClinGen allele CA8576980.

ClinVar aggregate classification (germline): Conflicting classifications of pathogenicity. Review status: criteria provided, conflicting classifications (1 of 4 stars). 7 submissions from 7 submitters: Pathogenic (1); Likely pathogenic (5); Uncertain significance (1). Last evaluated 2026-08-30.

Conditions:
Charcot-Marie-Tooth disease axonal type 2V. Also called: CHARCOT-MARIE-TOOTH NEUROPATHY, TYPE 2V; CHARCOT-MARIE-TOOTH DISEASE, AXONAL, AUTOSOMAL DOMINANT, TYPE 2V. Identifiers: Orphanet 447964, MedGen C5569050, MONDO:0014665, OMIM 616491.
Mucopolysaccharidosis, MPS-III-B (MPS3B). Also called: N-ACETYL-ALPHA-D-GLUCOSAMINIDASE DEFICIENCY; NAGLU DEFICIENCY; SANFILIPPO SYNDROME B; MPS III B; MUCOPOLYSACCHARIDOSIS, TYPE IIIB; MPS IIIB (Sanfilippo Syndrome Type B). Identifiers: Orphanet 79270, MedGen C0086648, MONDO:0009656, OMIM 252920.

Submissions (7):

Myriad Genetics, Inc.
Classification: Likely pathogenic for Mucopolysaccharidosis, MPS-III-B. Last evaluated: 2026-08-30. Review status: criteria provided, single submitter. Criteria: Myriad Autosomal Dominant, Autosomal Recessive and X-Linked Classification Criteria (2023). Collection method: clinical testing. Allele origin: unknown.
Comment: NM_000263.3(NAGLU):c.1212G>C(W404C) is a missense variant classified as likely pathogenic in the context of mucopolysaccharidosis type IIIB. W404C has been observed in cases with relevant disease (PMID: 29661560, 38360210, Sanchez_2017_(Abstract)). Relevant functional assessments of this variant are available in the literature (PMID: 29979746). Internal structural analysis of the variant is supportive of pathogenicity. W404C has been observed in referenced population frequency databases. In summary, NM_000263.3(NAGLU):c.1212G>C(W404C) is a missense variant that has both functional and internal structural support for pathogenicity and has been observed more frequently in cases with the relevant disease than in healthy populations. Please note: this variant was assessed in the context of healthy population screening.

GeneDx
Classification: Likely pathogenic. Last evaluated: 2025-11-18. Review status: criteria provided, single submitter. Criteria: GeneDx Variant Classification Process June 2021. Collection method: clinical testing. Allele origin: germline. Affected: yes.
Comment: Has not been previously published in a clinical study, as pathogenic or benign to our knowledge; Published functional studies demonstrate a damaging effect; specifically, expression studies in site directed mutated HEK293 cells showed W404C had 3.4% activity, as compared to wild type protein (PMID: 29979746); In silico analysis supports that this missense variant has a deleterious effect on protein structure/function; This variant is associated with the following publications: (PMID: 29979746)

Natera, Inc.
Classification: Likely pathogenic for Mucopolysaccharidosis type IIIB. Last evaluated: 2025-10-23. Review status: criteria provided, single submitter. Criteria: Natera Variant Classification Schema (03/2026). Collection method: clinical testing. Allele origin: germline.
Comment: The c.1212G>C variant in NAGLU is a missense variant predicted to cause substitution of tryptophan to cysteine at amino acid 404. This variant is rare in the general population with a frequency below the threshold expected for the associated phenotype(s). This variant has been observed in one or more individuals affected with the associated recessive disease, as either homozygous or compound heterozygous with a second variant (PMID: 29661560, 38360210). This variant has been identified in one or more affected individual with a phenotype highly consistent with the associated gene (PMID: 29661560). Functional studies show that this variant may disrupt protein function (PMID: 29979746). Computational prediction algorithms indicate this variant is likely to affect gene or protein function. Given the available evidence, this variant is classified as Likely Pathogenic.

Labcorp Genetics (formerly Invitae), Labcorp
Classification: Uncertain significance for Charcot-Marie-Tooth disease axonal type 2V; Mucopolysaccharidosis, MPS-III-B. Last evaluated: 2025-01-20. Review status: criteria provided, single submitter. Criteria: Invitae Variant Classification Sherloc (09022015). Collection method: clinical testing. Allele origin: germline.
Comment: This sequence change replaces tryptophan, which is neutral and slightly polar, with cysteine, which is neutral and slightly polar, at codon 404 of the NAGLU protein (p.Trp404Cys). This variant is present in population databases (rs777670507, gnomAD 0.02%). This variant has not been reported in the literature in individuals affected with NAGLU-related conditions. ClinVar contains an entry for this variant (Variation ID: 1198913). Invitae Evidence Modeling of protein sequence and biophysical properties (such as structural, functional, and spatial information, amino acid conservation, physicochemical variation, residue mobility, and thermodynamic stability) indicates that this missense variant is expected to disrupt NAGLU protein function with a positive predictive value of 95%. Experimental studies have shown that this missense change affects NAGLU function (PMID: 29979746). In summary, the available evidence is currently insufficient to determine the role of this variant in disease. Therefore, it has been classified as a Variant of Uncertain Significance.

Fulgent Genetics
Classification: Likely pathogenic for Mucopolysaccharidosis, MPS-III-B; Charcot-Marie-Tooth disease axonal type 2V. Last evaluated: 2024-05-17. Review status: criteria provided, single submitter. Criteria: ACMG Guidelines, 2015. Collection method: clinical testing. Allele origin: germline.

Center for Personalized Medicine, Children's Hospital Los Angeles
Classification: Likely pathogenic. Last evaluated: 2022-12-21. Review status: criteria provided, single submitter. Criteria: ACMG Guidelines, 2015. Collection method: clinical testing. Allele origin: biparental. Affected: yes.

Department of Pathology and Laboratory Medicine, Sinai Health System
Classification: Pathogenic for Mucopolysaccharidosis, MPS-III-B; Charcot-Marie-Tooth disease axonal type 2V. Last evaluated: 2022-10-26. Review status: criteria provided, single submitter. Criteria: ACMG Guidelines, 2015. Collection method: research. Allele origin: germline.

Literature cited by the submitters: PubMed 29979746 (cited by 3 submitters); PubMed 29661560 (cited by Natera, Inc.); PubMed 38360210 (cited by Natera, Inc.).